The following is an entry in ClinVar:

NM_001080414.4(CCDC88C):c.484-7C>G

Gene: CCDC88C (coiled-coil domain containing 88C; minus strand). Cytogenetic location: 14q32.11.
Variant type: single nucleotide variant.
Coding change: c.484-7C>G on transcript NM_001080414.4 (MANE Select); 7 bases into the intron before coding-DNA position 484, C replaced by G.
Molecular consequence: intron variant.
Genome position (GRCh38, 1-based): chr14:91,340,031, G>C on the plus strand (C>G on the coding strand, the complement: CCDC88C is on the minus strand). VCF-style: chr14-91340031-G-C. GRCh37 (hg19) VCF-style: chr14-91806375-G-C.
Identifiers: ClinVar variation 3031353 (VCV003031353.2), dbSNP rs1291913998, ClinGen allele CA615723819.

ClinVar aggregate classification (germline): Likely benign (0 of 4 stars; one submission).

Conditions:
CCDC88C-related disorder. Also called: CCDC88C-Related Disorders; CCDC88C-related condition.

Allele frequency attached by ClinVar (database versions not stated): gnomAD 0.00001; TOPMed 0.00001.
gnomAD v4.1: 59 of 1,608,656 alleles (0.0037%); highest among the groups gnomAD compares: Non-Finnish European, 0.0049%; no homozygotes.

Submission:

PreventionGenetics, part of Exact Sciences
Classification: Likely benign for CCDC88C-related condition. Last evaluated: 2022-11-21. Review status: no assertion criteria provided. Collection method: clinical testing. Allele origin: germline.
Comment: This variant is classified as likely benign based on ACMG/AMP sequence variant interpretation guidelines (Richards et al. 2015 PMID: 25741868, with internal and published modifications).